The following is an entry in ClinVar:

ClinVar aggregate classification (germline): Uncertain significance (1 of 4 stars; one submission).

Submission:

Labcorp Genetics (formerly Invitae), Labcorp
Classification: Uncertain significance. Last evaluated: 2021-08-19. Review status: criteria provided, single submitter. Criteria: Invitae Variant Classification Sherloc (09022015). Collection method: clinical testing. Allele origin: germline.
Comment: Algorithms developed to predict the effect of missense changes on protein structure and function (SIFT, PolyPhen-2, Align-GVGD) all suggest that this variant is likely to be tolerated. In summary, the available evidence is currently insufficient to determine the role of this variant in disease. Therefore, it has been classified as a Variant of Uncertain Significance. This variant has not been reported in the literature in individuals affected with CACNA2D4-related conditions. This variant is not present in population databases (ExAC no frequency). This sequence change replaces aspartic acid with asparagine at codon 640 of the CACNA2D4 protein (p.Asp640Asn). The aspartic acid residue is moderately conserved and there is a small physicochemical difference between aspartic acid and asparagine.

NM_172364.5(CACNA2D4):c.1918G>A (p.Asp640Asn)

Gene: CACNA2D4 (calcium voltage-gated channel auxiliary subunit alpha2delta 4; minus strand). Cytogenetic location: 12p13.33.
Variant type: single nucleotide variant.
Coding change: c.1918G>A on transcript NM_172364.5 (MANE Select); coding-DNA position 1918, G replaced by A.
Protein change: p.Asp640Asn; replaces aspartic acid 640 with asparagine.
Molecular consequence: missense variant.
Genome position (GRCh38, 1-based): chr12:1,860,167, C>T on the plus strand (G>A on the coding strand, the complement: CACNA2D4 is on the minus strand). VCF-style: chr12-1860167-C-T. GRCh37 (hg19) VCF-style: chr12-1969333-C-T.
Other names: short protein forms D640N.
Identifiers: ClinVar variation 1381189 (VCV001381189.5), dbSNP rs267603402, ClinGen allele CA231537507.